The following is an entry in ClinVar:

ClinVar aggregate classification (germline): Uncertain significance (1 of 4 stars; one submission).

Conditions:
Neuroblastoma, susceptibility to, 3. Also called: ALK-Related Neuroblastic Tumor Susceptibility. Identifiers: Orphanet 635, MedGen C2751681, MONDO:0013083, OMIM 613014.

Submission:

Labcorp Genetics (formerly Invitae), Labcorp
Classification: Uncertain significance for Neuroblastoma, susceptibility to, 3. Last evaluated: 2022-07-15. Review status: criteria provided, single submitter. Criteria: Invitae Variant Classification Sherloc (09022015). Collection method: clinical testing. Allele origin: germline.
Comment: In summary, the available evidence is currently insufficient to determine the role of this variant in disease. Therefore, it has been classified as a Variant of Uncertain Significance. Variants that disrupt the consensus splice site are a relatively common cause of aberrant splicing (PMID: 17576681, 9536098). Algorithms developed to predict the effect of sequence changes on RNA splicing suggest that this variant is not likely to affect RNA splicing. This variant has not been reported in the literature in individuals affected with ALK-related conditions. This variant is not present in population databases (gnomAD no frequency). This sequence change falls in intron 28 of the ALK gene. It does not directly change the encoded amino acid sequence of the ALK protein. It affects a nucleotide within the consensus splice site.

Literature cited by the submitters: PubMed 17576681; PubMed 9536098.

NM_004304.5(ALK):c.4164+4A>T

Gene: ALK (ALK receptor tyrosine kinase; minus strand). Cytogenetic location: 2p23.2.
Variant type: single nucleotide variant.
Coding change: c.4164+4A>T on transcript NM_004304.5 (MANE Select); 4 bases into the intron after coding-DNA position 4164, A replaced by T.
Molecular consequence: intron variant.
Genome position (GRCh38, 1-based): chr2:29,196,766, T>A on the plus strand (A>T on the coding strand, the complement: ALK is on the minus strand). VCF-style: chr2-29196766-T-A. GRCh37 (hg19) VCF-style: chr2-29419632-T-A.
Other names: c.960+4A>T (NM_001353765.2).
Identifiers: ClinVar variation 2053064 (VCV002053064.4), dbSNP rs2465880486, ClinGen allele CA2580066443.